The following is an entry in ClinVar:

ClinVar aggregate classification (germline): Pathogenic (1 of 4 stars; one submission).

Conditions:
Sulfite oxidase deficiency. Also called: Isolated sulfite oxidase deficiency. Identifiers: Orphanet 833, Orphanet 99731, MedGen C0268624, MONDO:0010089, OMIM 272300, HP:0003643.

Submission:

Labcorp Genetics (formerly Invitae), Labcorp
Classification: Pathogenic for Sulfite oxidase deficiency. Last evaluated: 2023-05-07. Review status: criteria provided, single submitter. Criteria: Invitae Variant Classification Sherloc (09022015). Collection method: clinical testing. Allele origin: germline.
Comment: For these reasons, this variant has been classified as Pathogenic. This variant disrupts a region of the SUOX protein in which other variant(s) (p.Arg529*) have been determined to be pathogenic (PMID: 17940249, 28980090). This suggests that this is a clinically significant region of the protein, and that variants that disrupt it are likely to be disease-causing. This variant has not been reported in the literature in individuals affected with SUOX-related conditions. This variant is not present in population databases (gnomAD no frequency). This sequence change creates a premature translational stop signal (p.Thr82*) in the SUOX gene. While this is not anticipated to result in nonsense mediated decay, it is expected to disrupt the last 464 amino acid(s) of the SUOX protein.

Literature cited by the submitters: PubMed 17940249; PubMed 28980090.

NM_001032386.2(SUOX):c.242_243insTT (p.Ser81_Thr82insTer)

Gene: SUOX (sulfite oxidase; plus strand). Cytogenetic location: 12q13.2.
Variant type: Insertion.
Coding change: c.242_243insTT on transcript NM_001032386.2 (MANE Select); coding-DNA positions 242 to 243, TT inserted.
Protein change: p.Ser81_Thr82insTer.
Molecular consequence: frameshift variant.
Genome position: GRCh38 VCF-style: chr12-56003631-C-CTT. GRCh37 (hg19) VCF-style: chr12-56397415-C-CTT.
Other names: c.242_243insTT, p.Ser81_Thr82insTer (NM_000456.3, NM_001032387.2).
Identifiers: ClinVar variation 2862437 (VCV002862437.3), dbSNP rs2540575551, ClinGen allele CA2739272135.
Genomic context (GRCh38, chr12:56,003,631, plus strand): 5'-TTCTTAATAGTCTCTTCCCTTTTATCTTACTCCTTCCCTGCCAATAGGCTGCTCAGGAGT[C>CTT]AACACACATATACACTAAGGAGGAAGTGAGTTCCCACACCAGCCCTGAGACTGGGATCTG-3'